The following is an entry in ClinVar:

NM_000540.3(RYR1):c.14904C>A (p.Tyr4968Ter)

Gene: RYR1 (ryanodine receptor 1; plus strand). Cytogenetic location: 19q13.2.
Variant type: single nucleotide variant.
Coding change: c.14904C>A on transcript NM_000540.3 (MANE Select); coding-DNA position 14904, C replaced by A.
Protein change: p.Tyr4968Ter; replaces tyrosine 4968 with a stop codon.
Molecular consequence: nonsense.
Genome position (GRCh38, 1-based): chr19:38,586,126, C>A. VCF-style: chr19-38586126-C-A. GRCh37 (hg19) VCF-style: chr19-39076766-C-A.
Other names: c.14889C>A, p.Tyr4963Ter (NM_001042723.2); short protein forms Y4963*, Y4968*.
Identifiers: ClinVar variation 1698564 (VCV001698564.1), dbSNP rs2145918040, ClinGen allele CA405692901.

ClinVar aggregate classification (germline): Likely pathogenic (1 of 4 stars; one submission).

Conditions:
Malignant hyperthermia of anesthesia. Also called: Anesthesic-triggered malignant hyperthermia. Identifiers: Orphanet 423, MedGen C0024591, MONDO:0018493, HP:0034733.

Submission:

Women's Health and Genetics/Laboratory Corporation of America, LabCorp
Classification: Likely pathogenic for Malignant hyperthermia of anesthesia. Last evaluated: 2022-06-15. Review status: criteria provided, single submitter. Criteria: LabCorp Variant Classification Summary - May 2015. Collection method: clinical testing. Allele origin: germline.
Comment: Variant summary: RYR1 c.14904C>A (p.Tyr4968X) results in a premature termination codon, predicted to cause a truncation of the encoded protein or absence of the protein due to nonsense mediated decay, which are commonly known mechanisms for disease. Truncations downstream of this position have been cited in ClinVar and HGMD as pathogenic and disease-associated and have been reported in affected individuals (e.g. p.Thr4980AlafsX21, p.Y5010X). The variant was absent in 251424 control chromosomes (gnomAD). To our knowledge, no occurrence of c.14904C>A in individuals affected with Malignant Hyperthermia Susceptibility and no experimental evidence demonstrating its impact on protein function have been reported. No clinical diagnostic laboratories have submitted clinical-significance assessments for this variant to ClinVar after 2014. Based on the evidence outlined above, the variant was classified as likely pathogenic.